The following is an entry in ClinVar:

ClinVar aggregate classification (germline): Pathogenic/Likely pathogenic. Review status: criteria provided, multiple submitters, no conflicts (2 of 4 stars). 5 submissions from 5 submitters: Pathogenic (2); Likely pathogenic (3). Last evaluated 2025-02-04.

Conditions:
COL4A5-related disorders.
X-linked Alport syndrome (ATS1). Also called: COL4A5-Related Nephropathy; NEPHROPATHY AND DEAFNESS, X-LINKED. Identifiers: Orphanet 63, Orphanet 88917, MedGen C4746986, MONDO:0010520, OMIM 301050.

Allele frequency attached by ClinVar (database versions not stated): gnomAD exomes below 0.00001 and 0.00001; ExAC 0.00001.
gnomAD v4.1: 1 of 1,202,873 alleles (0.000083%); highest among the groups gnomAD compares: Non-Finnish European, 0.00011%; no homozygotes.

Submissions (5):

Natera, Inc.
Classification: Likely pathogenic for X-linked Alport syndrome. Last evaluated: 2025-02-04. Review status: criteria provided, single submitter. Criteria: Natera Variant Classification Schema (03/2026). Collection method: clinical testing. Allele origin: germline.
Comment: The c.412G>A variant in COL4A5 is a missense variant predicted to cause substitution of glycine to serine at amino acid 138. This variant is rare in the general population with a frequency below the threshold expected for the associated phenotype(s). This variant has been observed in affected individual(s) with monoallelic occurrence (heterozygous/hemizygous) (PMID: 29854973, 24033287). This variant is located in a functionally critical region of the protein. Computational prediction algorithms indicate this variant is likely to affect gene or protein function. Given the available evidence, this variant is classified as Likely Pathogenic.

Fulgent Genetics
Classification: Likely pathogenic for X-linked Alport syndrome. Last evaluated: 2024-06-18. Review status: criteria provided, single submitter. Criteria: ACMG Guidelines, 2015. Collection method: clinical testing. Allele origin: germline.

CeGaT Center for Human Genetics Tuebingen
Classification: Likely pathogenic. Last evaluated: 2023-10-01. Review status: criteria provided, single submitter. Criteria: CeGaT Center For Human Genetics Tuebingen Variant Classification Criteria Version 2. Collection method: clinical testing. Allele origin: germline. Affected: yes. Observed: 2 variant alleles.
Comment: COL4A5: PM1:Strong, PM2, PM5, PS4:Supporting

Labcorp Genetics (formerly Invitae), Labcorp
Classification: Pathogenic. Last evaluated: 2023-05-23. Review status: criteria provided, single submitter. Criteria: Invitae Variant Classification Sherloc (09022015). Collection method: clinical testing. Allele origin: germline.
Comment: This sequence change replaces glycine, which is neutral and non-polar, with serine, which is neutral and polar, at codon 138 of the COL4A5 protein (p.Gly138Ser). This variant is present in population databases (rs767619131, gnomAD 0.001%). This variant disrupts the triple helix domain of COL4A5. Glycine residues within the Gly-Xaa-Yaa repeats of the triple helix domain are required for the structure and stability of fibrillar collagens (PMID: 7695699, 8218237, 19344236). In COL4A5, missense variants at these glycine residues are significantly enriched in individuals with disease (PMID: 23720012, 27627812) compared to the general population (ExAC). This missense change has been observed in individuals with Alport syndrome (PMID: 24033287, 29854973). ClinVar contains an entry for this variant (Variation ID: 587139). Advanced modeling of protein sequence and biophysical properties (such as structural, functional, and spatial information, amino acid conservation, physicochemical variation, residue mobility, and thermodynamic stability) performed at Invitae indicates that this missense variant is expected to disrupt COL4A5 protein function. For these reasons, this variant has been classified as Pathogenic.

Blueprint Genetics
Classification: Pathogenic for COL4A5-related disorders. Last evaluated: 2021-12-10. Review status: criteria provided, single submitter. Criteria: ACMG Guidelines, 2015. Collection method: clinical testing. Allele origin: germline. Affected: yes. Observed: 1 variant allele.

Literature cited by the submitters: PubMed 29854973 (cited by Natera, Inc. and Labcorp Genetics (formerly Invitae), Labcorp); PubMed 24033287 (cited by Natera, Inc. and Labcorp Genetics (formerly Invitae), Labcorp); PubMed 7695699 (cited by Labcorp Genetics (formerly Invitae), Labcorp); PubMed 8218237 (cited by Labcorp Genetics (formerly Invitae), Labcorp); PubMed 19344236 (cited by Labcorp Genetics (formerly Invitae), Labcorp); PubMed 23720012 (cited by Labcorp Genetics (formerly Invitae), Labcorp); PubMed 27627812 (cited by Labcorp Genetics (formerly Invitae), Labcorp).

NM_033380.3(COL4A5):c.412G>A (p.Gly138Ser)

Gene: COL4A5 (collagen type IV alpha 5 chain; plus strand). Cytogenetic location: Xq22.3.
Variant type: single nucleotide variant.
Coding change: c.412G>A on transcript NM_033380.3 (MANE Select); coding-DNA position 412, G replaced by A.
Protein change: p.Gly138Ser; replaces glycine 138 with serine.
Molecular consequence: missense variant.
Genome position (GRCh38, 1-based): chrX:108,571,440, G>A. VCF-style: chrX-108571440-G-A. GRCh37 (hg19) VCF-style: chrX-107814670-G-A.
Other names: c.412G>A, p.Gly138Ser (NM_000495.5); short protein forms G138S.
Identifiers: ClinVar variation 587139 (VCV000587139.43), dbSNP rs767619131, ClinGen allele CA10488453.
Genomic context (GRCh38, chrX:108,571,440, plus strand): 5'-TCCTCCATGCTCTTTATTTTTAACTCCTTCTAGGGAGAACGTGGATTTCCAGGCAGTCCC[G>A]GTTTTCCTGGTTTACAGGGTCCTCCAGTAAGTTATAAAATTTGGGATTATGATGAACACA-3'
Protein context (NP_203699.1, residues 128-148): KGERGFPGSP[Gly138Ser]FPGLQGPPGP